The following is an entry in ClinVar:

ClinVar aggregate classification (germline): Uncertain significance (1 of 4 stars; one submission).

Conditions:
Atypical hemolytic-uremic syndrome with I factor anomaly. Also called: HEMOLYTIC UREMIC SYNDROME, ATYPICAL, SUSCEPTIBILITY TO, 3; AHUS, SUSCEPTIBILITY TO, 3. Identifiers: Orphanet 2134, MedGen C2752039, MONDO:0013041, OMIM 612923.

Submission:

MVZ Medizinische Genetik Mainz
Classification: Uncertain significance for Atypical hemolytic-uremic syndrome with I factor anomaly. Last evaluated: 2023-07-04. Review status: criteria provided, single submitter. Criteria: UK Practice Guidelines For Variant Classification V4 01 2020. Collection method: clinical testing. Allele origin: germline. Inheritance: Autosomal dominant inheritance. Affected: yes. Observed: 1 variant allele.
Comment: ACMG Criteria: PM2_SUP,PP3

NM_000204.5(CFI):c.771A>G (p.Lys257=)

Gene: CFI (complement factor I; minus strand). Cytogenetic location: 4q25.
Variant type: single nucleotide variant.
Coding change: c.771A>G on transcript NM_000204.5 (MANE Select); coding-DNA position 771, A replaced by G.
Protein change: p.Lys257=; no amino-acid change (lysine 257 retained).
Molecular consequence: synonymous variant. On other transcripts: non-coding transcript variant (3).
Genome position (GRCh38, 1-based): chr4:109,760,524, T>C on the plus strand (A>G on the coding strand, the complement: CFI is on the minus strand). VCF-style: chr4-109760524-T-C. GRCh37 (hg19) VCF-style: chr4-110681680-T-C.
Other names: c.771A>G, p.Lys257= (NM_001318057.2, NM_001331035.2, NM_001375278.1 and 5 more transcripts); c.162A>G, p.Lys54= (NM_001375284.1).
Identifiers: ClinVar variation 3066109 (VCV003066109.1), dbSNP rs2545435657, ClinGen allele CA440818589.